The following is an entry in ClinVar:

ClinVar aggregate classification (germline): Uncertain significance (1 of 4 stars; one submission).

Conditions:
Frontotemporal dementia and/or amyotrophic lateral sclerosis 4. Also called: FTDALS4. Identifiers: Orphanet 275872, MedGen C4225325, MONDO:0014641, OMIM 616439.

Allele frequency attached by ClinVar (database versions not stated): TOPMed below 0.00001.
gnomAD v4.1: 1 of 1,577,716 alleles (0.000063%); highest among the groups gnomAD compares: Admixed American, 0.0018%; no homozygotes.

Submission:

Labcorp Genetics (formerly Invitae), Labcorp
Classification: Uncertain significance for Frontotemporal dementia and/or amyotrophic lateral sclerosis 4. Last evaluated: 2025-07-29. Review status: criteria provided, single submitter. Criteria: Invitae Variant Classification Sherloc (09022015). Collection method: clinical testing. Allele origin: germline.
Comment: This sequence change replaces threonine, which is neutral and polar, with asparagine, which is neutral and polar, at codon 651 of the TBK1 protein (p.Thr651Asn). This variant is not present in population databases (gnomAD no frequency). This variant has not been reported in the literature in individuals affected with TBK1-related conditions. ClinVar contains an entry for this variant (Variation ID: 647255). Invitae Evidence Modeling of protein sequence and biophysical properties (such as structural, functional, and spatial information, amino acid conservation, physicochemical variation, residue mobility, and thermodynamic stability) indicates that this missense variant is not expected to disrupt TBK1 protein function with a negative predictive value of 95%. In summary, the available evidence is currently insufficient to determine the role of this variant in disease. Therefore, it has been classified as a Variant of Uncertain Significance.

NM_013254.4(TBK1):c.1952C>A (p.Thr651Asn)

Gene: TBK1 (TANK binding kinase 1; plus strand). Cytogenetic location: 12q14.2.
Variant type: single nucleotide variant.
Coding change: c.1952C>A on transcript NM_013254.4 (MANE Select); coding-DNA position 1952, C replaced by A.
Protein change: p.Thr651Asn; replaces threonine 651 with asparagine.
Molecular consequence: missense variant.
Genome position (GRCh38, 1-based): chr12:64,497,252, C>A. VCF-style: chr12-64497252-C-A. GRCh37 (hg19) VCF-style: chr12-64891032-C-A.
Other names: c.1952C>A, p.Thr651Asn (LRG_1306t1); short protein forms T651N.
Identifiers: ClinVar variation 647255 (VCV000647255.10), dbSNP rs1592376939, ClinGen allele CA385606611.
Genomic context (GRCh38, chr12:64,497,252, plus strand): 5'-TATCGCTGACTAATCAGTGTTTTGATATTGAAGAAGAAGTATCAAAATATCAAGAATATA[C>A]TAATGAGGTAGGTACAGCTGTCAAGGAAAAATTAAAATTCTTCTCAGTTTATAACTGATA-3'
Protein context (NP_037386.1, residues 641-661): EEEVSKYQEY[Thr651Asn]NELQETLPQK